The following is an entry in ClinVar:

ClinVar aggregate classification (germline): Likely benign. Review status: criteria provided, multiple submitters, no conflicts (2 of 4 stars). 6 submissions from 6 submitters: Likely benign (6). Last evaluated 2026-02-01.

Conditions:
Inborn genetic diseases. Identifiers: MedGen C0950123, MeSH D030342.

Allele frequency attached by ClinVar (database versions not stated): ExAC 0.00009; gnomAD 0.00009; TOPMed 0.00014.
gnomAD v4.1: 76 of 1,613,798 alleles (0.0047%); highest among the groups gnomAD compares: South Asian, 0.047%; no homozygotes.

Submissions (6):

CeGaT Center for Human Genetics Tuebingen
Classification: Likely benign. Last evaluated: 2026-02-01. Review status: criteria provided, single submitter. Criteria: CeGaT Center For Human Genetics Tuebingen Variant Classification Criteria Version 2. Collection method: clinical testing. Allele origin: germline. Affected: yes. Observed: 1 variant allele.
Comment: MYH9: BP4, BP7

Labcorp Genetics (formerly Invitae), Labcorp
Classification: Likely benign. Last evaluated: 2025-12-01. Review status: criteria provided, single submitter. Criteria: Invitae Variant Classification Sherloc (09022015). Collection method: clinical testing. Allele origin: germline.

Blueprint Genetics
Classification: Likely benign. Last evaluated: 2024-06-17. Review status: criteria provided, single submitter. Criteria: ACMG Guidelines, 2015. Collection method: clinical testing. Allele origin: germline.

Ambry Genetics
Classification: Likely benign for Inborn genetic diseases. Last evaluated: 2024-05-30. Review status: criteria provided, single submitter. Criteria: Ambry Variant Classification Scheme 2023. Collection method: clinical testing. Allele origin: germline.

GeneDx
Classification: Likely benign. Last evaluated: 2021-03-12. Review status: criteria provided, single submitter. Criteria: GeneDx Variant Classification Process June 2021. Collection method: clinical testing. Allele origin: germline. Affected: yes.
Comment: See Variant Classification Assertion Criteria.

PreventionGenetics, part of Exact Sciences
Classification: Likely benign. Review status: criteria provided, single submitter. Criteria: ACMG Guidelines, 2015. Collection method: clinical testing. Allele origin: germline.

NM_002473.6(MYH9):c.3876C>T (p.Ser1292=)

Gene: MYH9 (myosin heavy chain 9; minus strand). Cytogenetic location: 22q12.3.
Variant type: single nucleotide variant.
Coding change: c.3876C>T on transcript NM_002473.6 (MANE Select); coding-DNA position 3876, C replaced by T.
Protein change: p.Ser1292=; no amino-acid change (serine 1292 retained).
Molecular consequence: synonymous variant.
Genome position (GRCh38, 1-based): chr22:36,293,825, G>A on the plus strand (C>T on the coding strand, the complement: MYH9 is on the minus strand). VCF-style: chr22-36293825-G-A. GRCh37 (hg19) VCF-style: chr22-36689871-G-A.
Identifiers: ClinVar variation 258747 (VCV000258747.12), dbSNP rs747334129, ClinGen allele CA10209530.